The following is an entry in ClinVar:

NM_153704.6(TMEM67):c.1496A>G (p.Asp499Gly)

Gene: TMEM67 (transmembrane protein 67; plus strand). Cytogenetic location: 8q22.1.
Variant type: single nucleotide variant.
Coding change: c.1496A>G on transcript NM_153704.6 (MANE Select); coding-DNA position 1496, A replaced by G.
Protein change: p.Asp499Gly; replaces aspartic acid 499 with glycine.
Molecular consequence: missense variant. On other transcripts: non-coding transcript variant (1).
Genome position (GRCh38, 1-based): chr8:93,787,927, A>G. VCF-style: chr8-93787927-A-G. GRCh37 (hg19) VCF-style: chr8-94800155-A-G.
Other names: c.1253A>G, p.Asp418Gly (NM_001142301.1); short protein forms D418G, D499G.
Identifiers: ClinVar variation 3383684 (VCV003383684.2).

ClinVar aggregate classification (germline): Uncertain significance. Review status: criteria provided, multiple submitters, no conflicts (2 of 4 stars). 2 submissions from 2 submitters: Uncertain significance (2). Last evaluated 2025-04-24.

Conditions:
Inborn genetic diseases. Identifiers: MedGen C0950123, MeSH D030342.

gnomAD v4.1: 2 of 1,613,688 alleles (0.00012%); highest among the groups gnomAD compares: Admixed American, 0.0017%; no homozygotes.

Submissions (2):

Ambry Genetics
Classification: Uncertain significance for Inborn genetic diseases. Last evaluated: 2025-04-24. Review status: criteria provided, single submitter. Criteria: Ambry Variant Classification Scheme 2023. Collection method: clinical testing. Allele origin: germline.

GeneDx
Classification: Uncertain significance. Last evaluated: 2024-05-29. Review status: criteria provided, single submitter. Criteria: GeneDx Variant Classification Process June 2021. Collection method: clinical testing. Allele origin: germline. Affected: yes.
Comment: Not observed at significant frequency in large population cohorts (gnomAD); In silico analysis supports that this missense variant has a deleterious effect on protein structure/function; Has not been previously published as pathogenic or benign to our knowledge